The following is an entry in ClinVar:

ClinVar aggregate classification (germline): Uncertain significance (1 of 4 stars; one submission).

gnomAD v4.1: 1 of 1,613,014 alleles (0.000062%); highest among the groups gnomAD compares: African/African-American, 0.0013%; no homozygotes.

Submission:

Labcorp Genetics (formerly Invitae), Labcorp
Classification: Uncertain significance. Last evaluated: 2021-03-12. Review status: criteria provided, single submitter. Criteria: Invitae Variant Classification Sherloc (09022015). Collection method: clinical testing. Allele origin: germline.
Comment: In summary, the available evidence is currently insufficient to determine the role of this variant in disease. Therefore, it has been classified as a Variant of Uncertain Significance. Algorithms developed to predict the effect of missense changes on protein structure and function are either unavailable or do not agree on the potential impact of this missense change (SIFT: "Not Available"; PolyPhen-2: "Possibly Damaging"; Align-GVGD: "Not Available"). This variant has not been reported in the literature in individuals with KCNK4-related conditions. This variant is not present in population databases (ExAC no frequency). This sequence change replaces histidine with asparagine at codon 152 of the KCNK4 protein (p.His152Asn). The histidine residue is moderately conserved and there is a small physicochemical difference between histidine and asparagine.

NM_033310.3(KCNK4):c.454C>A (p.His152Asn)

Genes: KCNK4 (potassium two pore domain channel subfamily K member 4; plus strand), KCNK4-CATSPERZ (KCNK4-CATSPERZ readthrough (NMD candidate); plus strand). Cytogenetic location: 11q13.1.
Variant type: single nucleotide variant.
Coding change: c.454C>A on transcript NM_033310.3 (MANE Select); coding-DNA position 454, C replaced by A.
Protein change: p.His152Asn; replaces histidine 152 with asparagine.
Molecular consequence: missense variant. On other transcripts: non-coding transcript variant (3).
Genome position (GRCh38, 1-based): chr11:64,297,259, C>A. VCF-style: chr11-64297259-C-A. GRCh37 (hg19) VCF-style: chr11-64064731-C-A.
Other names: c.454C>A, p.His152Asn (NM_001317090.2); short protein forms H152N.
Identifiers: ClinVar variation 1349754 (VCV001349754.6), dbSNP rs2135231951, ClinGen allele CA381165026.